The following is an entry in ClinVar:

ClinVar aggregate classification (germline): Likely benign (1 of 4 stars; one submission).

gnomAD v4.1: 17 of 1,613,928 alleles (0.0011%); highest among the groups gnomAD compares: Non-Finnish European, 0.0013%; no homozygotes.

Submission:

CeGaT Center for Human Genetics Tuebingen
Classification: Likely benign. Last evaluated: 2025-05-01. Review status: criteria provided, single submitter. Criteria: CeGaT Center For Human Genetics Tuebingen Variant Classification Criteria Version 2. Collection method: clinical testing. Allele origin: germline. Affected: yes. Observed: 1 variant allele.
Comment: DDB1: BS2

NM_001923.5(DDB1):c.439C>T (p.Arg147Cys)

Gene: DDB1 (damage specific DNA binding protein 1; minus strand). Cytogenetic location: 11q12.2.
Variant type: single nucleotide variant.
Coding change: c.439C>T on transcript NM_001923.5 (MANE Select); coding-DNA position 439, C replaced by T.
Protein change: p.Arg147Cys; replaces arginine 147 with cysteine.
Molecular consequence: missense variant.
Genome position (GRCh38, 1-based): chr11:61,329,473, G>A on the plus strand (C>T on the coding strand, the complement: DDB1 is on the minus strand). VCF-style: chr11-61329473-G-A. GRCh37 (hg19) VCF-style: chr11-61096945-G-A.
Other names: short protein forms R147C.
Identifiers: ClinVar variation 3905366 (VCV003905366.10).